The following is an entry in ClinVar:

NM_005733.3(KIF20A):c.2426G>T (p.Cys809Phe)

Gene: KIF20A (kinesin family member 20A; plus strand). Cytogenetic location: 5q31.2.
Variant type: single nucleotide variant.
Coding change: c.2426G>T on transcript NM_005733.3 (MANE Select); coding-DNA position 2426, G replaced by T.
Protein change: p.Cys809Phe; replaces cysteine 809 with phenylalanine.
Molecular consequence: missense variant.
Genome position (GRCh38, 1-based): chr5:138,187,166, G>T. VCF-style: chr5-138187166-G-T. GRCh37 (hg19) VCF-style: chr5-137522855-G-T.
Other names: short protein forms C809F.
Identifiers: ClinVar variation 2061198 (VCV002061198.4), dbSNP rs773108393, ClinGen allele CA128189269.

ClinVar aggregate classification (germline): Uncertain significance (1 of 4 stars; one submission).

Allele frequency attached by ClinVar (database versions not stated): gnomAD exomes below 0.00001.
gnomAD v4.1: 1 of 1,614,106 alleles (0.000062%); highest among the groups gnomAD compares: Non-Finnish European, 0.000085%; no homozygotes.

Submission:

Labcorp Genetics (formerly Invitae), Labcorp
Classification: Uncertain significance. Last evaluated: 2022-04-07. Review status: criteria provided, single submitter. Criteria: Invitae Variant Classification Sherloc (09022015). Collection method: clinical testing. Allele origin: germline.
Comment: In summary, the available evidence is currently insufficient to determine the role of this variant in disease. Therefore, it has been classified as a Variant of Uncertain Significance. Algorithms developed to predict the effect of missense changes on protein structure and function (SIFT, PolyPhen-2, Align-GVGD) all suggest that this variant is likely to be disruptive. This variant has not been reported in the literature in individuals affected with KIF20A-related conditions. This variant is not present in population databases (gnomAD no frequency). This sequence change replaces cysteine, which is neutral and slightly polar, with phenylalanine, which is neutral and non-polar, at codon 809 of the KIF20A protein (p.Cys809Phe).